The following is an entry in ClinVar:

NC_000013.11:g.103037119_103046863dup

Variant type: Duplication.
Genome position: GRCh38: chr13:103,037,119-103,046,863. GRCh37 (hg19): chr13:103,689,469-103,699,213.
Identifiers: ClinVar variation 157296 (VCV000157296.2).

ClinVar aggregate classification (germline): not provided (0 of 4 stars; one submission).

Conditions:
Large for gestational age. Identifiers: MedGen C1848395, HP:0001520.

Submission:

Institute of Molecular and Cell Biology, University of Tartu
No classification provided. Condition: Large for gestational age. Review status: no classification provided. Collection method: case-control. Allele origin: unknown. Affected: yes. Study: Kasak2014.
Comment: The study aimed to determine the contribution of copy number variants in the genetic etiology of normal and complicated pregnancies. The samples represented (i) maternal blood DNA drawn from healthy pregnant women during 1st or 2nd trimester and (ii) maternal and paternal blood DNA drawn at term pregnancy cases representing normal and complicated gestations (severe preeclampsia, PE; gestational diabetes, GD; small-for-gestational age newborn, SGA; large-for-gestational age newborn, LGA). We performed CNV calling based on genome-wide genotyping dataset (Illumina HumanOmniExpress-24-v1 BeadChip) by applying three algorithms, QuantiSNP, GADA (Genome Alteration Detection Algorithm) and CNstream in parallel. The acquired CNV calls were merged with HD-CNV (Hotspot Detector for Copy Number Variants) program and only the CNVs predicted by at least two programs, were considered in subsequent analysis.

Literature cited by the submitters: PubMed 25666259.